The following is an entry in ClinVar:

ClinVar aggregate classification (germline): Benign/Likely benign. Review status: criteria provided, multiple submitters, no conflicts (2 of 4 stars). 3 submissions from 3 submitters: Benign (1); Likely benign (2). Last evaluated 2026-09-23.

Conditions:
VCAN-related disorder. Also called: VCAN-related condition.

Allele frequency attached by ClinVar (database versions not stated): gnomAD 0.00001 and 0.00008; TOPMed 0.00002; gnomAD exomes 0.00010 and 0.00019; 1000 Genomes Project 30x 0.00016; ExAC 0.00018; 1000 Genomes Project 0.00020.
gnomAD v4.1: 163 of 1,613,802 alleles (0.01%); highest among the groups gnomAD compares: South Asian, 0.16%; 1 homozygote.

Submissions (3):

PreventionGenetics, part of Exact Sciences
Classification: Likely benign for VCAN-related condition. Last evaluated: 2026-09-23. Review status: criteria provided, single submitter. Criteria: ACMG Guidelines, 2015. Collection method: clinical testing. Allele origin: germline.
Comment: This variant is classified as likely benign based on ACMG/AMP sequence variant interpretation guidelines (Richards et al. 2015 PMID: 25741868, with internal and published modifications).

Labcorp Genetics (formerly Invitae), Labcorp
Classification: Benign. Last evaluated: 2025-12-14. Review status: criteria provided, single submitter. Criteria: Invitae Variant Classification Sherloc (09022015). Collection method: clinical testing. Allele origin: germline.

Blueprint Genetics
Classification: Likely benign. Last evaluated: 2024-09-02. Review status: criteria provided, single submitter. Criteria: ACMG Guidelines, 2015. Collection method: clinical testing. Allele origin: germline.

NM_004385.5(VCAN):c.9366C>T (p.Asp3122=)

Genes: VCAN (versican; plus strand), VCAN-AS1 (VCAN antisense RNA 1; minus strand). Cytogenetic location: 5q14.3.
Variant type: single nucleotide variant.
Coding change: c.9366C>T on transcript NM_004385.5 (MANE Select); coding-DNA position 9366, C replaced by T.
Protein change: p.Asp3122=; no amino-acid change (aspartic acid 3122 retained).
Molecular consequence: synonymous variant.
Genome position (GRCh38, 1-based): chr5:83,545,637, C>T. VCF-style: chr5-83545637-C-T. GRCh37 (hg19) VCF-style: chr5-82841456-C-T.
Other names: c.9366C>T (NM_004385.4); c.1143C>T, p.Asp381= (NM_001126336.3); c.6405C>T, p.Asp2135= (NM_001164097.2); c.4104C>T, p.Asp1368= (NM_001164098.2).
Identifiers: ClinVar variation 1170055 (VCV001170055.11), dbSNP rs528024400, ClinGen allele CA3333980.